The following is an entry in ClinVar:

ClinVar aggregate classification (germline): Uncertain significance. Review status: criteria provided, multiple submitters, no conflicts (2 of 4 stars). 2 submissions from 2 submitters: Uncertain significance (2). Last evaluated 2026-06-28.

Allele frequency attached by ClinVar (database versions not stated): gnomAD exomes below 0.00001; gnomAD 0.00001; TOPMed 0.00001.
gnomAD v4.1: 5 of 1,610,146 alleles (0.00031%); highest among the groups gnomAD compares: Non-Finnish European, 0.00042%; no homozygotes.

Submissions (2):

Revvity Omics, Revvity
Classification: Uncertain significance. Last evaluated: 2026-06-28. Review status: criteria provided, single submitter. Criteria: ACMG Guidelines, 2015. Collection method: clinical testing. Allele origin: germline.

Labcorp Genetics (formerly Invitae), Labcorp
Classification: Uncertain significance. Last evaluated: 2022-03-09. Review status: criteria provided, single submitter. Criteria: Invitae Variant Classification Sherloc (09022015). Collection method: clinical testing. Allele origin: germline.
Comment: This sequence change replaces arginine, which is basic and polar, with glutamine, which is neutral and polar, at codon 764 of the CNNM2 protein (p.Arg764Gln). In summary, the available evidence is currently insufficient to determine the role of this variant in disease. Therefore, it has been classified as a Variant of Uncertain Significance. Algorithms developed to predict the effect of missense changes on protein structure and function (SIFT, PolyPhen-2, Align-GVGD) all suggest that this variant is likely to be tolerated. This variant is also known as c.2291G>A p.Arg746Gln. This missense change has been observed in individual(s) with CNNM2-related conditions (PMID: 30525188, 31785789, 31981491, 32997713). This variant is not present in population databases (gnomAD no frequency).

Literature cited by the submitters: PubMed 30525188 (cited by Labcorp Genetics (formerly Invitae), Labcorp); PubMed 31785789 (cited by Labcorp Genetics (formerly Invitae), Labcorp); PubMed 31981491 (cited by Labcorp Genetics (formerly Invitae), Labcorp); PubMed 32997713 (cited by Labcorp Genetics (formerly Invitae), Labcorp).

NM_017649.5(CNNM2):c.2291G>A (p.Arg764Gln)

Gene: CNNM2 (cyclin and CBS domain divalent metal cation transport mediator 2; plus strand). Cytogenetic location: 10q24.32.
Variant type: single nucleotide variant.
Coding change: c.2291G>A on transcript NM_017649.5 (MANE Select); coding-DNA position 2291, G replaced by A.
Protein change: p.Arg764Gln; replaces arginine 764 with glutamine.
Molecular consequence: missense variant.
Genome position (GRCh38, 1-based): chr10:103,076,143, G>A. VCF-style: chr10-103076143-G-A. GRCh37 (hg19) VCF-style: chr10-104835900-G-A.
Other names: c.2225G>A, p.Arg742Gln (NM_199076.3); c.2291G>A (NM_017649.4); short protein forms R742Q, R764Q.
Identifiers: ClinVar variation 2152095 (VCV002152095.5), dbSNP rs1307518396, ClinGen allele CA377964035.
Genomic context (GRCh38, chr10:103,076,143, plus strand): 5'-CAGGTGAAAATAAGTCCCCTCCTCGCCCATGTGGCTTGAATCACTCAGACTCTCTCAGTC[G>A]AAGCGACCGGATTGACGCCGTCACACCAACACTGGGGAGCAGCAATAACCAGCTCAATTC-3'
Protein context (NP_060119.3, residues 754-774): CGLNHSDSLS[Arg764Gln]SDRIDAVTPT